The following is an entry in ClinVar:

ClinVar aggregate classification (germline): Pathogenic (1 of 4 stars; one submission).

gnomAD v4.1: 2 of 1,614,044 alleles (0.00012%); highest among the groups gnomAD compares: East Asian, 0.0022%; no homozygotes.

Submission:

Labcorp Genetics (formerly Invitae), Labcorp
Classification: Pathogenic. Last evaluated: 2025-03-02. Review status: criteria provided, single submitter. Criteria: Invitae Variant Classification Sherloc (09022015). Collection method: clinical testing. Allele origin: germline.
Comment: This sequence change creates a premature translational stop signal (p.Gln22*) in the CNGB1 gene. It is expected to result in an absent or disrupted protein product. Loss-of-function variants in CNGB1 are known to be pathogenic (PMID: 15557452, 24043777). This variant is present in population databases (rs775592138, gnomAD 0.006%). This variant has not been reported in the literature in individuals affected with CNGB1-related conditions. For these reasons, this variant has been classified as Pathogenic.

Literature cited by the submitters: PubMed 15557452; PubMed 24043777.

NM_001297.5(CNGB1):c.64C>T (p.Gln22Ter)

Gene: CNGB1 (cyclic nucleotide gated channel subunit beta 1; minus strand). Cytogenetic location: 16q21.
Variant type: single nucleotide variant.
Coding change: c.64C>T on transcript NM_001297.5 (MANE Select); coding-DNA position 64, C replaced by T.
Protein change: p.Gln22Ter; replaces glutamine 22 with a stop codon.
Molecular consequence: nonsense.
Genome position (GRCh38, 1-based): chr16:57,967,223, G>A on the plus strand (C>T on the coding strand, the complement: CNGB1 is on the minus strand). VCF-style: chr16-57967223-G-A. GRCh37 (hg19) VCF-style: chr16-58001127-G-A.
Other names: c.64C>T, p.Gln22Ter (NM_001135639.2, NM_001286130.2); short protein forms Q22*.
Identifiers: ClinVar variation 3699954 (VCV003699954.2).